The following is an entry in ClinVar:

NM_000051.4(ATM):c.3024T>G (p.Ser1008=)

Gene: ATM (ATM serine/threonine kinase; plus strand). Cytogenetic location: 11q22.3.
Variant type: single nucleotide variant.
Coding change: c.3024T>G on transcript NM_000051.4 (MANE Select); coding-DNA position 3024, T replaced by G.
Protein change: p.Ser1008=; no amino-acid change (serine 1008 retained).
Molecular consequence: synonymous variant.
Genome position (GRCh38, 1-based): chr11:108,271,353, T>G. VCF-style: chr11-108271353-T-G. GRCh37 (hg19) VCF-style: chr11-108142080-T-G.
Other names: c.3024T>G, p.Ser1008= (NM_001351834.2).
Identifiers: ClinVar variation 414547 (VCV000414547.14), dbSNP rs1060504274, ClinGen allele CA16613030.

ClinVar aggregate classification (germline): Benign/Likely benign. Review status: criteria provided, multiple submitters, no conflicts (2 of 4 stars). 3 submissions from 3 submitters: Benign (1); Likely benign (2). Last evaluated 2025-04-29.

Conditions:
Hereditary cancer-predisposing syndrome. Also called: Tumor predisposition; Neoplastic Syndromes, Hereditary; Hereditary Cancer Syndrome; Hereditary neoplastic syndrome. Identifiers: Orphanet 140162, MedGen C0027672, MeSH D009386, MONDO:0015356.
Familial cancer of breast. Also called: Hereditary breast cancer; BREAST CANCER, FAMILIAL; hereditary breast carcinoma. Identifiers: Orphanet 227535, MedGen C0346153, MONDO:0016419, OMIM 114480. Disease mechanism: loss of function.
Ataxia-telangiectasia syndrome (AT). Also called: Ataxia-telangiectasia; Cerebello-oculocutaneous telangiectasia; Immunodeficiency with ataxia telangiectasia; ATAXIA-TELANGIECTASIA, COMPLEMENTATION GROUP A; ATAXIA-TELANGIECTASIA, FRESNO VARIANT; Ataxia-telangiectasia, complementation group D. Identifiers: Orphanet 100, MedGen C0004135, MONDO:0008840, OMIM 208900.

Allele frequency attached by ClinVar (database versions not stated): gnomAD exomes below 0.00001.
gnomAD v4.1: 1 of 1,614,074 alleles (0.000062%); highest among the groups gnomAD compares: Admixed American, 0.0017%; no homozygotes.

Submissions (3):

Labcorp Genetics (formerly Invitae), Labcorp
Classification: Likely benign for Ataxia-telangiectasia syndrome. Last evaluated: 2025-04-29. Review status: criteria provided, single submitter. Criteria: Invitae Variant Classification Sherloc (09022015). Collection method: clinical testing. Allele origin: germline.

Myriad Genetics, Inc.
Classification: Benign for Familial cancer of breast. Last evaluated: 2024-05-13. Review status: criteria provided, single submitter. Criteria: Myriad Autosomal Dominant, Autosomal Recessive and X-Linked Classification Criteria (2023). Collection method: clinical testing. Allele origin: unknown.
Comment: This variant is considered benign. This variant is a silent/synonymous amino acid change and it is not expected to impact splicing.

Ambry Genetics
Classification: Likely benign for Hereditary cancer-predisposing syndrome. Last evaluated: 2018-03-26. Review status: criteria provided, single submitter. Criteria: Ambry Variant Classification Scheme 2023. Collection method: clinical testing. Allele origin: germline.